The following is an entry in ClinVar:

NM_014795.4(ZEB2):c.2124G>A (p.Leu708=)

Gene: ZEB2 (zinc finger E-box binding homeobox 2; minus strand). Cytogenetic location: 2q22.3.
Variant type: single nucleotide variant.
Coding change: c.2124G>A on transcript NM_014795.4 (MANE Select); coding-DNA position 2124, G replaced by A.
Protein change: p.Leu708=; no amino-acid change (leucine 708 retained).
Molecular consequence: synonymous variant.
Genome position (GRCh38, 1-based): chr2:144,399,063, C>T on the plus strand (G>A on the coding strand, the complement: ZEB2 is on the minus strand). VCF-style: chr2-144399063-C-T. GRCh37 (hg19) VCF-style: chr2-145156630-C-T.
Other names: c.2052G>A, p.Leu684= (NM_001171653.2).
Identifiers: ClinVar variation 941757 (VCV000941757.24), dbSNP rs1289485468, ClinGen allele CA429445317.

ClinVar aggregate classification (germline): Likely benign. Review status: criteria provided, multiple submitters, no conflicts (2 of 4 stars). 3 submissions from 3 submitters: Likely benign (3). Last evaluated 2025-10-22.

Conditions:
Mowat-Wilson syndrome (MOWS). Also called: Classic Mowat-Wilson Syndrome. Identifiers: Orphanet 2152, MedGen C1856113, MONDO:0009341, OMIM 235730.

Allele frequency attached by ClinVar (database versions not stated): gnomAD 0.00001; TOPMed 0.00001; gnomAD exomes 0.00002.
gnomAD v4.1: 36 of 1,613,946 alleles (0.0022%); highest among the groups gnomAD compares: Non-Finnish European, 0.003%; no homozygotes.

Submissions (3):

Labcorp Genetics (formerly Invitae), Labcorp
Classification: Likely benign for Mowat-Wilson syndrome. Last evaluated: 2025-10-22. Review status: criteria provided, single submitter. Criteria: Invitae Variant Classification Sherloc (09022015). Collection method: clinical testing. Allele origin: germline.

CeGaT Center for Human Genetics Tuebingen
Classification: Likely benign. Last evaluated: 2024-08-01. Review status: criteria provided, single submitter. Criteria: CeGaT Center For Human Genetics Tuebingen Variant Classification Criteria Version 2. Collection method: clinical testing. Allele origin: germline. Affected: yes. Observed: 1 variant allele.
Comment: ZEB2: BP4

Blueprint Genetics
Classification: Likely benign. Last evaluated: 2024-03-18. Review status: criteria provided, single submitter. Criteria: ACMG Guidelines, 2015. Collection method: clinical testing. Allele origin: germline.